The following is an entry in ClinVar:

ClinVar aggregate classification (germline): Uncertain significance. Review status: criteria provided, multiple submitters, no conflicts (2 of 4 stars). 2 submissions from 2 submitters: Uncertain significance (2). Last evaluated 2025-07-25.

Conditions:
Inborn genetic diseases. Identifiers: MedGen C0950123, MeSH D030342.
Intellectual developmental disorder with cardiac defects and dysmorphic facies (IDDCDF). Identifiers: Orphanet 562569, MedGen C5193024, MONDO:0032672, OMIM 618316.

Allele frequency attached by ClinVar (database versions not stated): ExAC 0.00002; gnomAD exomes 0.00004 and 0.00005; gnomAD 0.00007; ESP Exome Variant Server 0.00008; TOPMed 0.00010; 1000 Genomes Project 30x 0.00016; 1000 Genomes Project 0.00020.
gnomAD v4.1: 77 of 1,613,842 alleles (0.0048%); highest among the groups gnomAD compares: East Asian, 0.013%; no homozygotes.

Submissions (2):

Ambry Genetics
Classification: Uncertain significance for Inborn genetic diseases. Last evaluated: 2025-07-25. Review status: criteria provided, single submitter. Criteria: Ambry Variant Classification Scheme 2023. Collection method: clinical testing. Allele origin: germline.

Baylor Genetics
Classification: Uncertain significance for Intellectual developmental disorder with cardiac defects and dysmorphic facies. Last evaluated: 2020-10-09. Review status: criteria provided, single submitter. Criteria: ACMG Guidelines, 2015. Collection method: clinical testing. Allele origin: unknown. Affected: yes.
Comment: This variant was determined to be of uncertain significance according to ACMG Guidelines, 2015 [PMID:25741868].

NM_014738.6(TMEM94):c.3458C>T (p.Thr1153Met)

Gene: TMEM94 (transmembrane protein 94; plus strand). Cytogenetic location: 17q25.1.
Variant type: single nucleotide variant.
Coding change: c.3458C>T on transcript NM_014738.6 (MANE Select); coding-DNA position 3458, C replaced by T.
Protein change: p.Thr1153Met; replaces threonine 1153 with methionine.
Molecular consequence: missense variant.
Genome position (GRCh38, 1-based): chr17:75,497,831, C>T. VCF-style: chr17-75497831-C-T. GRCh37 (hg19) VCF-style: chr17-73493912-C-T.
Other names: c.3488C>T, p.Thr1163Met (NM_001321148.2); c.3470C>T, p.Thr1157Met (NM_001321149.2); c.3410C>T, p.Thr1137Met (NM_001351202.2); c.3485C>T, p.Thr1162Met (NM_001351203.2); short protein forms T1137M, T1153M, T1157M, T1162M, T1163M.
Identifiers: ClinVar variation 1027885 (VCV001027885.2), dbSNP rs199789873, ClinGen allele CA8762516.